The following is an entry in ClinVar:

NM_005751.5(AKAP9):c.235C>T (p.Pro79Ser)

Gene: AKAP9 (A-kinase anchoring protein 9; plus strand). Cytogenetic location: 7q21.2.
Variant type: single nucleotide variant.
Coding change: c.235C>T on transcript NM_005751.5 (MANE Select); coding-DNA position 235, C replaced by T.
Protein change: p.Pro79Ser; replaces proline 79 with serine.
Molecular consequence: missense variant.
Genome position (GRCh38, 1-based): chr7:91,973,897, C>T. VCF-style: chr7-91973897-C-T. GRCh37 (hg19) VCF-style: chr7-91603211-C-T.
Other names: p.P79S:CCT>TCT; c.235C>T, p.Pro79Ser (NM_147185.3); short protein forms P79S.
Identifiers: ClinVar variation 190500 (VCV000190500.11), dbSNP rs768026366, ClinGen allele CA300648.
Genomic context (GRCh38, chr7:91,973,897, plus strand): 5'-CAATCACAGTGTAATGAAATGTACATAAATAGTTCTCAGAGAGTAGAATCAACTGTGATT[C>T]CTGAATCTACAATAATGAGAACTCTACATAGTGGAGAAATAACCAGTCATGAGCAGGGCT-3'
Protein context (NP_005742.4, residues 69-89): SSQRVESTVI[Pro79Ser]ESTIMRTLHS

ClinVar aggregate classification (germline): Conflicting classifications of pathogenicity. Review status: criteria provided, conflicting classifications (1 of 4 stars). 4 submissions from 4 submitters: Uncertain significance (1); Likely benign (3). Last evaluated 2025-12-19.

Conditions:
Cardiovascular phenotype. Identifiers: MedGen CN230736.
Long QT syndrome (LQTS). Identifiers: MedGen C0023976, MeSH D008133, MONDO:0002442. Disease mechanism: loss of function. Inheritance: Various modes of inheritance.

Allele frequency attached by ClinVar (database versions not stated): gnomAD below 0.00001 and 0.00004; TOPMed 0.00001; gnomAD exomes 0.00004 and 0.00008; ExAC 0.00007.

Submissions (4):

Labcorp Genetics (formerly Invitae), Labcorp
Classification: Uncertain significance for Long QT syndrome. Last evaluated: 2025-12-19. Review status: criteria provided, single submitter. Criteria: Invitae Variant Classification Sherloc (09022015). Collection method: clinical testing. Allele origin: germline.
Comment: This sequence change replaces proline, which is neutral and non-polar, with serine, which is neutral and polar, at codon 79 of the AKAP9 protein (p.Pro79Ser). This variant is present in population databases (rs768026366, gnomAD 0.07%), and has an allele count higher than expected for a pathogenic variant. This variant has not been reported in the literature in individuals affected with AKAP9-related conditions. ClinVar contains an entry for this variant (Variation ID: 190500). An algorithm developed to predict the effect of missense changes on protein structure and function (PolyPhen-2) suggests that this variant is likely to be disruptive. In summary, the available evidence is currently insufficient to determine the role of this variant in disease. Therefore, it has been classified as a Variant of Uncertain Significance.

Blueprint Genetics
Classification: Likely benign. Last evaluated: 2024-04-29. Review status: criteria provided, single submitter. Criteria: ACMG Guidelines, 2015. Collection method: clinical testing. Allele origin: germline.

Ambry Genetics
Classification: Likely benign for Cardiovascular phenotype. Last evaluated: 2023-05-02. Review status: criteria provided, single submitter. Criteria: Ambry Variant Classification Scheme 2023. Collection method: clinical testing. Allele origin: germline.

GeneDx
Classification: Likely benign. Last evaluated: 2013-11-04. Review status: criteria provided, single submitter. Criteria: GeneDx Variant Classification (06012015). Collection method: clinical testing. Allele origin: germline. Affected: yes.
Comment: This variant is considered likely benign or benign based on one or more of the following criteria: it is a conservative change, it occurs at a poorly conserved position in the protein, it is predicted to be benign by multiple in silico algorithms, and/or has population frequency not consistent with disease.

Literature cited by the submitters: PubMed 35932045 (cited by Ambry Genetics).